The following is an entry in ClinVar:

NM_000260.4(MYO7A):c.2134G>A (p.Val712Met)

Gene: MYO7A (myosin VIIA; plus strand). Cytogenetic location: 11q13.5.
Variant type: single nucleotide variant.
Coding change: c.2134G>A on transcript NM_000260.4 (MANE Select); coding-DNA position 2134, G replaced by A.
Protein change: p.Val712Met; replaces valine 712 with methionine.
Molecular consequence: missense variant.
Genome position (GRCh38, 1-based): chr11:77,175,411, G>A. VCF-style: chr11-77175411-G-A. GRCh37 (hg19) VCF-style: chr11-76886457-G-A.
Other names: c.2134G>A, p.Val712Met (NM_001127180.2); c.2101G>A, p.Val701Met (NM_001369365.1); short protein forms V701M, V712M.
Identifiers: ClinVar variation 2202428 (VCV002202428.2), dbSNP rs782373207, ClinGen allele CA6197718.

ClinVar aggregate classification (germline): Uncertain significance. Review status: criteria provided, multiple submitters, no conflicts (2 of 4 stars). 2 submissions from 2 submitters: Uncertain significance (2). Last evaluated 2022-04-11.

Allele frequency attached by ClinVar (database versions not stated): gnomAD exomes below 0.00001; ExAC 0.00001.
gnomAD v4.1: 5 of 1,613,390 alleles (0.00031%); highest among the groups gnomAD compares: East Asian, 0.0045%; no homozygotes.

Submissions (2):

Labcorp Genetics (formerly Invitae), Labcorp
Classification: Uncertain significance. Last evaluated: 2022-04-11. Review status: criteria provided, single submitter. Criteria: Invitae Variant Classification Sherloc (09022015). Collection method: clinical testing. Allele origin: germline.
Comment: This sequence change replaces valine, which is neutral and non-polar, with methionine, which is neutral and non-polar, at codon 712 of the MYO7A protein (p.Val712Met). This variant is present in population databases (rs782373207, gnomAD 0.006%). This variant has not been reported in the literature in individuals affected with MYO7A-related conditions. Advanced modeling of protein sequence and biophysical properties (such as structural, functional, and spatial information, amino acid conservation, physicochemical variation, residue mobility, and thermodynamic stability) performed at Invitae indicates that this missense variant is not expected to disrupt MYO7A protein function. In summary, the available evidence is currently insufficient to determine the role of this variant in disease. Therefore, it has been classified as a Variant of Uncertain Significance.

Blueprint Genetics
Classification: Uncertain significance. Last evaluated: 2021-09-21. Review status: criteria provided, single submitter. Criteria: ACMG Guidelines, 2015. Collection method: clinical testing. Allele origin: germline.